The following is an entry in ClinVar:

NM_005732.4(RAD50):c.1300_1306dup (p.Lys436delinsArgTer)

Gene: RAD50 (RAD50 double strand break repair protein; plus strand). Cytogenetic location: 5q31.1.
Variant type: Microsatellite.
Coding change: c.1300_1306dup on transcript NM_005732.4 (MANE Select); coding-DNA positions 1300 to 1306, 7 bases duplicated (GATAAGA; older notation c.1300_1306dupGATAAGA).
Protein change: p.Lys436delinsArgTer.
Molecular consequence: nonsense.
Genome position (GRCh38, 1-based): chr5:132,589,685-132,589,691, GATAAGA duplicated; duplicating any 7 consecutive bases within chr5:132,589,676-132,589,691 gives the same sequence; the c. name uses the placement nearest the transcript's 3' end. VCF-style (leftmost placement, unchanged base first): chr5-132589675-T-TGAGATAA. GRCh37 (hg19) VCF-style: chr5-131925367-T-TGAGATAA.
Identifiers: ClinVar variation 127994 (VCV000127994.11), dbSNP rs587780147, ClinGen allele CA288190.

ClinVar aggregate classification (germline): Pathogenic. Review status: criteria provided, multiple submitters, no conflicts (2 of 4 stars). 3 submissions from 3 submitters: Pathogenic (3). Last evaluated 2021-10-18.

Conditions:
Hereditary cancer-predisposing syndrome. Also called: Hereditary neoplastic syndrome; Neoplastic Syndromes, Hereditary; Hereditary Cancer Syndrome; Tumor predisposition. Identifiers: Orphanet 140162, MedGen C0027672, MeSH D009386, MONDO:0015356.

Submissions (3):

Labcorp Genetics (formerly Invitae), Labcorp
Classification: Pathogenic for Hereditary cancer-predisposing syndrome. Last evaluated: 2021-10-18. Review status: criteria provided, single submitter. Criteria: Invitae Variant Classification Sherloc (09022015). Collection method: clinical testing. Allele origin: germline.
Comment: For these reasons, this variant has been classified as Pathogenic. This variant has not been reported in the literature in individuals with RAD50-related conditions. ClinVar contains an entry for this variant (Variation ID: 127994). This variant is not present in population databases (ExAC no frequency). This sequence change creates a premature translational stop signal (p.Lys436Argfs*2) in the RAD50 gene. It is expected to result in an absent or disrupted protein product. Loss-of-function variants in RAD50 are known to be pathogenic (PMID: 16385572, 19409520).

Ambry Genetics
Classification: Pathogenic for Hereditary cancer-predisposing syndrome. Last evaluated: 2019-03-26. Review status: criteria provided, single submitter. Criteria: Ambry Variant Classification Scheme 2023. Collection method: clinical testing. Allele origin: germline.
Comment: The c.1300_1306dupGATAAGA pathogenic mutation, located in coding exon 9 of the RAD50 gene, results from a duplication of GATAAGA at nucleotide position 1300, causing a translational frameshift with a predicted alternate stop codon (p.K436Rfs*2). This alteration is expected to result in loss of function by premature protein truncation or nonsense-mediated mRNA decay. As such, this alteration is interpreted as a disease-causing mutation.

GeneDx
Classification: Pathogenic for Neoplastic Syndromes, Hereditary. Last evaluated: 2013-10-17. Review status: criteria provided, single submitter. Criteria: GeneDx Variant Classification (06012015). Collection method: clinical testing. Allele origin: germline. Affected: yes.
Comment: This variant is denoted RAD50 c.1306_1307insGATAAGA (aka c.1300_1306dupGATAAGA) at the cDNA level and p.Lys436ArgfsX2 (K436RfsX2) at the protein level. The surrounding sequence is ATAAGA{insGATAAGA}AAACTG. The insertion causes a frameshift, changing a Lysine to an Arginine at codon 436, and creating a premature stop codon at position 2 of the new reading frame. This variant has not been published as a pathogenic mutation or a benign polymorphism to our knowledge and was not observed in approximately 6,500 individuals of European and African American ancestry in the NHLBI ESP Exome Variant Server, suggesting it is not a common benign variant in these populations. RAD50 c.1306_1307insGATAAGA is predicted to cause loss of normal protein function through either protein truncation or nonsense-mediated mRNA decay leading us to conclude that RAD50 c.1306_1307insGATAAGA is an expected pathogenic risk allele. The MRE11-RAD50-NBS1 complex is essential to maintaining genomic integrity based on its crucial role in DNA double-strand break repair as part of the Fanconi Anemia/BRCA pathway and variants in this gene have been published in association with breast and ovarian cancer (Heikkinen 2006, Walsh 2011). Heikkinen et al. (2006) reported a recurrent RAD50 frameshift variant identified in 8 out of 317 Finnish breast cancer patients compared with 6 out of 1000 controls. Two of these patients were considered to have familial breast cancer in which incomplete segregation was observed between the RAD50 mutation and cancer. Another novel splicing variant was observed in a case with a family history of breast cancer. The authors conclude that the incomplete segregation data and the frequency of this mutation in controls suggest that the recurrent RAD50 mutation is a low-penetrance breast cancer susceptibility allele (Heikkinen 2006). Walsh et al. (2011) also identified a RAD50 mutation carrier in 1/360 patients with ovarian cancer, peritoneal cancer, or fallopian tube cancer unselected for family history. However, based on currently available data, precise cancer risks associated with this gene are not well-described.Of note, inheritance of two pathogenic mutations in the RAD50 gene (one from each parent) may cause a rare disorder called Nijmegen breakage syndrome-like disorder (NBSLD) associated with growth retardation, microcephaly, mental retardation and a characteristic facial appearance (Waltes 2009). If a RAD50 mutation carrier's partner is also a carrier of a RAD50 mutation, the risk to have a child with NBSLD is 25% with each pregnancy. The variant is found in BR-OV-HEREDIC panel(s).

Literature cited by the submitters: PubMed 16385572 (cited by Labcorp Genetics (formerly Invitae), Labcorp); PubMed 19409520 (cited by Labcorp Genetics (formerly Invitae), Labcorp).